The following is an entry in ClinVar:

ClinVar aggregate classification (germline): Pathogenic/Likely pathogenic. Review status: criteria provided, multiple submitters, no conflicts (2 of 4 stars). 3 submissions from 3 submitters: Pathogenic (1); Likely pathogenic (2). Last evaluated 2026-01-30.

Conditions:
Cystinosis. Also called: Cystine diathesis; Cystine storage disease; Cystinoses. Identifiers: Orphanet 213, MedGen C4316899, MONDO:0016239.

Submissions (3):

Myriad Genetics, Inc.
Classification: Likely pathogenic for Cystinosis. Last evaluated: 2026-01-30. Review status: criteria provided, single submitter. Criteria: Myriad Autosomal Dominant, Autosomal Recessive and X-Linked Classification Criteria (2023). Collection method: clinical testing. Allele origin: unknown.
Comment: NM_004937.2(CTNS):c.1027_1038del12(I343_D346del) is an in-frame deletion classified as likely pathogenic in the context of cystinosis. I343_D346del has been observed in cases with relevant disease (PMID: 10556299, 12825071). Relevant functional assessments of this variant are available in the literature (PMID: 15128704). Internal structural analysis of the variant is supportive of pathogenicity. I343_D346del has not been observed in referenced population frequency databases. In summary, NM_004937.2(CTNS):c.1027_1038del12(I343_D346del) is an in-frame deletion that has both functional and internal structural support for pathogenicity and has been observed more frequently in cases with the relevant disease than in healthy populations. Please note: this variant was assessed in the context of healthy population screening.

Natera, Inc.
Classification: Likely pathogenic for Cystinosis. Last evaluated: 2024-12-11. Review status: criteria provided, single submitter. Criteria: Natera Variant Classification Schema (03/2026). Collection method: clinical testing. Allele origin: germline.
Comment: The c.1027_1038del variant in CTNS is an in-frame deletion. This variant is rare in the general population with a frequency below the threshold expected for the associated phenotype(s). This variant has been observed in one or more individuals affected with the associated recessive disease, as either homozygous or compound heterozygous with a second variant (PMID: 10556299, 12825071). Functional studies show that this variant may disrupt protein function (PMID: 15128704). This variant results in a change to the protein length while preserving reading frame, which may disrupt normal protein structure or function. Given the available evidence, this variant is classified as Likely Pathogenic.

Women's Health and Genetics/Laboratory Corporation of America, LabCorp
Classification: Pathogenic for Cystinosis. Last evaluated: 2023-01-19. Review status: criteria provided, single submitter. Criteria: LabCorp Variant Classification Summary - May 2015. Collection method: clinical testing. Allele origin: germline.
Comment: Variant summary: CTNS c.1027_1038del12 (p.Ile343_Asp346del) results in an in-frame deletion that is predicted to remove four amino acids from the encoded protein. The variant was absent in 251350 control chromosomes (gnomAD). c.1027_1038del12 has been reported in the literature in individuals affected with Cystinosis (examples: Attard_1999 and Mason_2003). These data indicate that the variant may be associated with disease. At least one publication reports experimental evidence evaluating an impact on protein function. The most pronounced variant effect results in <10% of normal activity (Kalatzis_2004). No clinical diagnostic laboratories have submitted clinical-significance assessments for this variant to ClinVar after 2014. Based on the evidence outlined above, the variant was classified as pathogenic.

Literature cited by the submitters: PubMed 10556299 (cited by 3 submitters); PubMed 12825071 (cited by 3 submitters); PubMed 15128704 (cited by Myriad Genetics, Inc. and Natera, Inc.).

NM_004937.3(CTNS):c.1027_1038del (p.Ile343_Asp346del)

Gene: CTNS (cystinosin, lysosomal cystine transporter; plus strand). Cytogenetic location: 17p13.2.
Variant type: Deletion.
Coding change: c.1027_1038del on transcript NM_004937.3 (MANE Select); coding-DNA positions 1027 to 1038, 12 bases deleted (ATCGTCTTCGAC).
Protein change: p.Ile343_Asp346del.
Molecular consequence: inframe deletion.
Genome position (GRCh38, 1-based): chr17:3,660,292-3,660,303, ATCGTCTTCGAC deleted; deleting any 12 consecutive bases within chr17:3,660,291-3,660,303 gives the same sequence; the c. name uses the placement nearest the transcript's 3' end. VCF-style (leftmost placement, unchanged base first): chr17-3660290-CCATCGTCTTCGA-C. GRCh37 (hg19) VCF-style: chr17-3563584-CCATCGTCTTCGA-C.
Other names: c.1027_1038del, p.Ile343_Asp346del (NM_001031681.3, NM_001374492.1); c.586_597del, p.Ile196_Asp199del (NM_001374493.1, NM_001374494.1, NM_001374495.1 and 1 more transcripts); c.1027_1038del12 (NM_004937.2); c.1027_1038del (NM_004937.2).
Identifiers: ClinVar variation 2429208 (VCV002429208.5), dbSNP rs2507794316, ClinGen allele CA2580093574.
Genomic context (GRCh38, chr17:3,660,290, plus strand): 5'-TAACAGACCAGTGGACGCTGATCTTCGGAGACCCAACCAAGTTTGGACTCGGGGTCTTCT[CCATCGTCTTCGA>C]CGTCGTCTTCTTCATCCAGCACTTCTGTTTGTACAGAAAGAGACCGGGGTATGACCAGCT-3'